The following is an entry in ClinVar:

ClinVar aggregate classification (germline): Uncertain significance (1 of 4 stars; one submission).

Conditions:
Hereditary cancer-predisposing syndrome. Also called: Neoplastic Syndromes, Hereditary; Tumor predisposition; Hereditary Cancer Syndrome; Hereditary neoplastic syndrome. Identifiers: Orphanet 140162, MedGen C0027672, MeSH D009386, MONDO:0015356.

Submission:

Ambry Genetics
Classification: Uncertain significance for Hereditary cancer-predisposing syndrome. Last evaluated: 2026-05-28. Review status: criteria provided, single submitter. Criteria: Ambry Variant Classification Scheme 2023. Collection method: clinical testing. Allele origin: germline.
Comment: The p.A1485V variant (also known as c.4454C>T), located in coding exon 15 of the APC gene, results from a C to T substitution at nucleotide position 4454. The alanine at codon 1485 is replaced by valine, an amino acid with similar properties. This amino acid position is conserved. In addition, in silico predictors for this gene do not accurately predict pathogenicity. Based on the available evidence, the clinical significance of this variant remains unclear.

NM_000038.6(APC):c.4454C>T (p.Ala1485Val)

Gene: APC (APC regulator of Wnt signaling pathway; plus strand). Cytogenetic location: 5q22.2.
Variant type: single nucleotide variant.
Coding change: c.4454C>T on transcript NM_000038.6 (MANE Select); coding-DNA position 4454, C replaced by T.
Protein change: p.Ala1485Val; replaces alanine 1485 with valine.
Molecular consequence: missense variant. On other transcripts: non-coding transcript variant (2).
Genome position (GRCh38, 1-based): chr5:112,840,048, C>T. VCF-style: chr5-112840048-C-T. GRCh37 (hg19) VCF-style: chr5-112175745-C-T.
Other names: c.4454C>T, p.Ala1485Val (NM_001127510.3, NM_001354895.2, NM_001407450.1); c.4400C>T, p.Ala1467Val (NM_001127511.3); c.4508C>T, p.Ala1503Val (NM_001354896.2, NM_001407447.1, NM_001407448.1 and 1 more transcripts); c.4484C>T, p.Ala1495Val (NM_001354897.2); c.4379C>T, p.Ala1460Val (NM_001354898.2); c.4370C>T, p.Ala1457Val (NM_001354899.2); c.4331C>T, p.Ala1444Val (NM_001354900.2); c.4277C>T, p.Ala1426Val (NM_001354901.2, NM_001407453.1); and 11 more; short protein forms A1101V, A1202V, A1325V, A1356V, A1359V, A1384V, A1394V, A1402V.
Identifiers: ClinVar variation 4860614 (VCV004860614.1).